The following is an entry in ClinVar:

NM_005412.6(SHMT2):c.427G>A (p.Gly143Arg)

Gene: SHMT2 (serine hydroxymethyltransferase 2; plus strand). Cytogenetic location: 12q13.3.
Variant type: single nucleotide variant.
Coding change: c.427G>A on transcript NM_005412.6 (MANE Select); coding-DNA position 427, G replaced by A.
Protein change: p.Gly143Arg; replaces glycine 143 with arginine.
Molecular consequence: missense variant. On other transcripts: non-coding transcript variant (4).
Genome position (GRCh38, 1-based): chr12:57,231,828, G>A. VCF-style: chr12-57231828-G-A. GRCh37 (hg19) VCF-style: chr12-57625611-G-A.
Other names: c.427G>A, p.Gly143Arg (NM_001166356.2); c.364G>A, p.Gly122Arg (NM_001166357.1, NM_001166358.2, NM_001166359.1); c.427G>A (NM_005412.5); short protein forms G122R, G143R.
Identifiers: ClinVar variation 1801959 (VCV001801959.2), dbSNP rs527594157, ClinGen allele CA6646354.

ClinVar aggregate classification (germline): Uncertain significance. Review status: criteria provided, multiple submitters, no conflicts (2 of 4 stars). 2 submissions from 2 submitters: Uncertain significance (2). Last evaluated 2025-10-01.

Conditions:
Inborn genetic diseases. Identifiers: MedGen C0950123, MeSH D030342.

Allele frequency attached by ClinVar (database versions not stated): gnomAD 0.00001; gnomAD exomes 0.00001; TOPMed 0.00001; ExAC 0.00001; 1000 Genomes Project 30x 0.00016; 1000 Genomes Project 0.00020.
gnomAD v4.1: 12 of 1,614,168 alleles (0.00074%); highest among the groups gnomAD compares: South Asian, 0.0011%; no homozygotes.

Submissions (2):

Ambry Genetics
Classification: Uncertain significance for Inborn genetic diseases. Last evaluated: 2025-10-01. Review status: criteria provided, single submitter. Criteria: Ambry Variant Classification Scheme 2023. Collection method: clinical testing. Allele origin: germline.

GeneDx
Classification: Uncertain significance. Last evaluated: 2022-06-03. Review status: criteria provided, single submitter. Criteria: GeneDx Variant Classification Process June 2021. Collection method: clinical testing. Allele origin: germline. Affected: yes.
Comment: Not observed at significant frequency in large population cohorts (gnomAD); In silico analysis supports that this missense variant has a deleterious effect on protein structure/function; Has not been previously published as pathogenic or benign to our knowledge